The following is an entry in ClinVar:

NM_004656.4(BAP1):c.806A>G (p.Glu269Gly)

Gene: BAP1 (BRCA1 associated deubiquitinase 1; minus strand). Cytogenetic location: 3p21.1.
Variant type: single nucleotide variant.
Coding change: c.806A>G on transcript NM_004656.4 (MANE Select); coding-DNA position 806, A replaced by G.
Protein change: p.Glu269Gly; replaces glutamic acid 269 with glycine.
Molecular consequence: missense variant.
Genome position (GRCh38, 1-based): chr3:52,405,890, T>C on the plus strand (A>G on the coding strand, the complement: BAP1 is on the minus strand). VCF-style: chr3-52405890-T-C. GRCh37 (hg19) VCF-style: chr3-52439906-T-C.
Other names: short protein forms E269G.
Identifiers: ClinVar variation 627816 (VCV000627816.15), dbSNP rs1187708513, ClinGen allele CA353106911.
Genomic context (GRCh38, chr3:52,405,890, plus strand): 5'-CTGGCTGACTTGGACTCCTCAGGCAGCTGTGACTCTTGAGACTTGTGGGTCTGAATCAGC[T>C]CTGGCTGTGTTACTCTTATCAGCTAACAACAGAATCCAGGGCTCAGAGGAGAAAGGGTAG-3'
Protein context (NP_004647.1, residues 259-279): LQQLIRVTQP[Glu269Gly]LIQTHKSQES

ClinVar aggregate classification (germline): Conflicting classifications of pathogenicity. Review status: criteria provided, conflicting classifications (1 of 4 stars). 4 submissions from 4 submitters: Uncertain significance (3); Likely benign (1). Last evaluated 2026-01-19.

Conditions:
BAP1-related tumor predisposition syndrome (TPDS1). Also called: Tumor susceptibility linked to germline BAP1 mutations; TUMOR PREDISPOSITION SYNDROME 1; COMMON Syndrome; BAP1 tumor predisposition syndrome. Identifiers: Orphanet 289539, MedGen C3280492, MONDO:0013692, OMIM 614327.
Hereditary cancer-predisposing syndrome. Also called: Tumor predisposition; Hereditary Cancer Syndrome; Neoplastic Syndromes, Hereditary; Hereditary neoplastic syndrome. Identifiers: Orphanet 140162, MedGen C0027672, MeSH D009386, MONDO:0015356.

Allele frequency attached by ClinVar (database versions not stated): gnomAD exomes 0.00001.

Submissions (4):

Labcorp Genetics (formerly Invitae), Labcorp
Classification: Uncertain significance for BAP1-related tumor predisposition syndrome. Last evaluated: 2026-01-19. Review status: criteria provided, single submitter. Criteria: Invitae Variant Classification Sherloc (09022015). Collection method: clinical testing. Allele origin: germline.
Comment: This sequence change replaces glutamic acid, which is acidic and polar, with glycine, which is neutral and non-polar, at codon 269 of the BAP1 protein (p.Glu269Gly). This variant is present in population databases (no rsID available, gnomAD 0.01%). This variant has not been reported in the literature in individuals affected with BAP1-related conditions. ClinVar contains an entry for this variant (Variation ID: 627816). Invitae Evidence Modeling of protein sequence and biophysical properties (such as structural, functional, and spatial information, amino acid conservation, physicochemical variation, residue mobility, and thermodynamic stability) indicates that this missense variant is not expected to disrupt BAP1 protein function with a negative predictive value of 80%. In summary, the available evidence is currently insufficient to determine the role of this variant in disease. Therefore, it has been classified as a Variant of Uncertain Significance.

Ambry Genetics
Classification: Likely benign for Hereditary cancer-predisposing syndrome. Last evaluated: 2024-09-09. Review status: criteria provided, single submitter. Criteria: Ambry Variant Classification Scheme 2023. Collection method: clinical testing. Allele origin: germline.

Color Diagnostics, LLC DBA Color Health
Classification: Uncertain significance for Hereditary cancer-predisposing syndrome. Last evaluated: 2024-03-06. Review status: criteria provided, single submitter. Criteria: ACMG Guidelines, 2015. Collection method: clinical testing. Allele origin: germline.
Comment: This missense variant replaces glutamic acid with glycine at codon 269 of the BAP1 protein. Computational prediction suggests that this variant may not impact protein structure and function (internally defined REVEL score threshold <= 0.5, PMID: 27666373). To our knowledge, functional studies have not been reported for this variant. This variant has not been reported in individuals affected with hereditary cancer in the literature. This variant has been identified in 3/251426 chromosomes in the general population by the Genome Aggregation Database (gnomAD). The available evidence is insufficient to determine the role of this variant in disease conclusively. Therefore, this variant is classified as a Variant of Uncertain Significance.

Baylor Genetics
Classification: Uncertain significance for BAP1-related tumor predisposition syndrome. Last evaluated: 2023-12-17. Review status: criteria provided, single submitter. Criteria: ACMG Guidelines, 2015. Collection method: clinical testing. Allele origin: unknown.